The following is an entry in ClinVar:

NM_000059.4(BRCA2):c.4115_4118del (p.Gln1371_Phe1372insTer)

Gene: BRCA2 (BRCA2 DNA repair associated; plus strand). Cytogenetic location: 13q13.1.
Variant type: Deletion.
Coding change: c.4115_4118del on transcript NM_000059.4 (MANE Select); coding-DNA positions 4115 to 4118, 4 bases deleted (TTAT; older notation c.4115_4118delTTAT).
Protein change: p.Gln1371_Phe1372insTer.
Molecular consequence: nonsense. On other transcripts: frameshift variant (2).
Genome position (GRCh38, 1-based): chr13:32,338,470-32,338,473, TTAT deleted; deleting any 4 consecutive bases within chr13:32,338,469-32,338,473 gives the same sequence; the c. name uses the placement nearest the transcript's 3' end. VCF-style (leftmost placement, unchanged base first): chr13-32338468-GTTTA-G. GRCh37 (hg19) VCF-style: chr13-32912605-GTTTA-G.
Other names: c.4115_4118delTTAT, p.Phe1372Terfs (NM_001406719.1, NM_001406720.1).
Identifiers: ClinVar variation 2128750 (VCV002128750.4), dbSNP rs2548527664, ClinGen allele CA2580087245.

ClinVar aggregate classification (germline): Pathogenic (1 of 4 stars; one submission).

Conditions:
Hereditary breast ovarian cancer syndrome. Also called: Hereditary breast and ovarian cancer syndrome; BRCA1- and BRCA2-Associated Hereditary Breast and Ovarian Cancer; Hereditary breast and ovarian cancer syndrome (HBOC); Hereditary breast and/or ovarian cancer syndrome; Hereditary breast and ovarian cancer; Breast and ovarian cancer. Identifiers: Orphanet 145, MedGen C0677776, MeSH D061325, MONDO:0003582. Disease mechanism: loss of function.

Submission:

Labcorp Genetics (formerly Invitae), Labcorp
Classification: Pathogenic for Hereditary breast ovarian cancer syndrome. Last evaluated: 2022-04-21. Review status: criteria provided, single submitter. Criteria: Invitae Variant Classification Sherloc (09022015). Collection method: clinical testing. Allele origin: germline.
Comment: This variant is not present in population databases (gnomAD no frequency). For these reasons, this variant has been classified as Pathogenic. This variant has not been reported in the literature in individuals affected with BRCA2-related conditions. This sequence change creates a premature translational stop signal (p.Phe1372*) in the BRCA2 gene. It is expected to result in an absent or disrupted protein product. Loss-of-function variants in BRCA2 are known to be pathogenic (PMID: 20104584).

Literature cited by the submitters: PubMed 20104584.